The following is an entry in ClinVar:

NM_001178015.2(SLC4A10):c.2314A>G (p.Met772Val)

Gene: SLC4A10 (solute carrier family 4 member 10; plus strand). Cytogenetic location: 2q24.2.
Variant type: single nucleotide variant.
Coding change: c.2314A>G on transcript NM_001178015.2 (MANE Select); coding-DNA position 2314, A replaced by G.
Protein change: p.Met772Val; replaces methionine 772 with valine.
Molecular consequence: missense variant.
Genome position (GRCh38, 1-based): chr2:161,949,196, A>G. VCF-style: chr2-161949196-A-G. GRCh37 (hg19) VCF-style: chr2-162805706-A-G.
Other names: c.2257A>G, p.Met753Val (NM_001178016.2, NM_001354445.2); c.2314A>G, p.Met772Val (NM_001354440.2); c.2347A>G, p.Met783Val (NM_001354441.2, NM_001354442.2); c.2260A>G, p.Met754Val (NM_001354443.2, NM_001354447.2); c.2311A>G, p.Met771Val (NM_001354444.2); c.2224A>G, p.Met742Val (NM_001354446.2, NM_001354450.2, NM_022058.4); c.2254A>G, p.Met752Val (NM_001354448.2); c.2221A>G, p.Met741Val (NM_001354449.2, NM_001354451.2); and 3 more; short protein forms M549V, M693V, M741V, M742V, M752V, M753V, M754V, M771V.
Identifiers: ClinVar variation 2574742 (VCV002574742.1), dbSNP rs1238896846, ClinGen allele CA348981468.

ClinVar aggregate classification (germline): Uncertain significance (1 of 4 stars; one submission).

Allele frequency attached by ClinVar (database versions not stated): gnomAD exomes below 0.00001; TOPMed 0.00001.
gnomAD v4.1: 1 of 1,611,810 alleles (0.000062%); highest among the groups gnomAD compares: Non-Finnish European, 0.000085%; no homozygotes.

Submission:

GeneDx
Classification: Uncertain significance. Last evaluated: 2022-12-08. Review status: criteria provided, single submitter. Criteria: GeneDx Variant Classification Process June 2021. Collection method: clinical testing. Allele origin: germline. Affected: yes.
Comment: Not observed at significant frequency in large population cohorts (gnomAD); In silico analysis supports that this missense variant has a deleterious effect on protein structure/function; Has not been previously published as pathogenic or benign to our knowledge; Variants in candidate genes are classified as variants of uncertain significance in accordance with ACMG guidelines (Richards et al., 2015)